The following is an entry in ClinVar:

NM_012469.4(PRPF6):c.1139_1146del (p.Ala380fs)

Gene: PRPF6 (pre-mRNA processing factor 6; plus strand). Cytogenetic location: 20q13.33.
Variant type: Deletion.
Coding change: c.1139_1146del on transcript NM_012469.4 (MANE Select); coding-DNA positions 1139 to 1146, 8 bases deleted (CAGAGCTG; older notation c.1139_1146delCAGAGCTG).
Protein change: p.Ala380fs; shifts the reading frame from alanine 380.
Molecular consequence: frameshift variant.
Genome position (GRCh38, 1-based): chr20:64,001,192-64,001,199, CAGAGCTG deleted; deleting any 8 consecutive bases within chr20:64,001,191-64,001,199 gives the same sequence; the c. name uses the placement nearest the transcript's 3' end. VCF-style (leftmost placement, unchanged base first): chr20-64001190-CGCAGAGCT-C. GRCh37 (hg19) VCF-style: chr20-62632543-CGCAGAGCT-C.
Other names: short protein forms A380fs.
Identifiers: ClinVar variation 3725582 (VCV003725582.2).

ClinVar aggregate classification (germline): Uncertain significance (1 of 4 stars; one submission).

Submission:

Labcorp Genetics (formerly Invitae), Labcorp
Classification: Uncertain significance. Last evaluated: 2024-11-19. Review status: criteria provided, single submitter. Criteria: Invitae Variant Classification Sherloc (09022015). Collection method: clinical testing. Allele origin: germline.
Comment: This sequence change creates a premature translational stop signal (p.Ala380Glyfs*30) in the PRPF6 gene. It is expected to result in an absent or disrupted protein product. However, the current clinical and genetic evidence is not sufficient to establish whether loss-of-function variants in PRPF6 cause disease. This variant is not present in population databases (gnomAD no frequency). This variant has not been reported in the literature in individuals affected with PRPF6-related conditions. In summary, the available evidence is currently insufficient to determine the role of this variant in disease. Therefore, it has been classified as a Variant of Uncertain Significance.